The following is an entry in ClinVar:

ClinVar aggregate classification (germline): Uncertain significance. Review status: criteria provided, multiple submitters, no conflicts (2 of 4 stars). 3 submissions from 3 submitters: Uncertain significance (2). 1 of the submissions does not count toward it. Last evaluated 2023-05-11.

Conditions:
Glycogen storage disease type III (GSD3). Also called: FORBES DISEASE; Cori disease. Identifiers: Orphanet 366, MedGen C0017922, MONDO:0009291, OMIM 232400.

Allele frequency attached by ClinVar (database versions not stated): TOPMed 0.00004.
gnomAD v4.1: 44 of 1,613,906 alleles (0.0027%); highest among the groups gnomAD compares: Non-Finnish European, 0.0033%; no homozygotes.

Submissions (3):

Blueprint Genetics
Classification: Uncertain significance. Last evaluated: 2023-05-11. Review status: criteria provided, single submitter. Criteria: ACMG Guidelines, 2015. Collection method: clinical testing. Allele origin: germline.

Labcorp Genetics (formerly Invitae), Labcorp
Classification: Uncertain significance for Glycogen storage disease type III. Last evaluated: 2022-02-20. Review status: criteria provided, single submitter. Criteria: Invitae Variant Classification Sherloc (09022015). Collection method: clinical testing. Allele origin: germline.
Comment: This sequence change replaces leucine, which is neutral and non-polar, with phenylalanine, which is neutral and non-polar, at codon 129 of the AGL protein (p.Leu129Phe). This variant is present in population databases (no rsID available, gnomAD 0.0009%). This variant has not been reported in the literature in individuals affected with AGL-related conditions. ClinVar contains an entry for this variant (Variation ID: 647213). Algorithms developed to predict the effect of missense changes on protein structure and function (SIFT, PolyPhen-2, Align-GVGD) all suggest that this variant is likely to be tolerated. In summary, the available evidence is currently insufficient to determine the role of this variant in disease. Therefore, it has been classified as a Variant of Uncertain Significance.

Natera, Inc.
Classification: Uncertain significance for Glycogen storage disease type III. Last evaluated: 2020-07-14. Review status: no assertion criteria provided. Collection method: clinical testing. Allele origin: germline. Not counted in ClinVar's aggregate classification.

NM_000642.3(AGL):c.385C>T (p.Leu129Phe)

Gene: AGL (amylo-alpha-1,6-glucosidase and 4-alpha-glucanotransferase; plus strand). Cytogenetic location: 1p21.2.
Variant type: single nucleotide variant.
Coding change: c.385C>T on transcript NM_000642.3 (MANE Select); coding-DNA position 385, C replaced by T.
Protein change: p.Leu129Phe; replaces leucine 129 with phenylalanine.
Molecular consequence: missense variant.
Genome position (GRCh38, 1-based): chr1:99,862,348, C>T. VCF-style: chr1-99862348-C-T. GRCh37 (hg19) VCF-style: chr1-100327904-C-T.
Other names: c.385C>T, p.Leu129Phe (NM_000028.3, NM_000643.3, NM_000644.3 and 5 more transcripts); c.337C>T, p.Leu113Phe (NM_000646.3); short protein forms L113F, L129F.
Identifiers: ClinVar variation 647213 (VCV000647213.11), dbSNP rs749109793, ClinGen allele CA27561383.